The following is an entry in ClinVar:

ClinVar aggregate classification (germline): Uncertain significance. Review status: criteria provided, multiple submitters, no conflicts (2 of 4 stars). 2 submissions from 2 submitters: Uncertain significance (2). Last evaluated 2021-04-02.

Conditions:
Hereditary cancer-predisposing syndrome. Also called: Hereditary neoplastic syndrome; Hereditary Cancer Syndrome; Tumor predisposition; Neoplastic Syndromes, Hereditary. Identifiers: Orphanet 140162, MedGen C0027672, MeSH D009386, MONDO:0015356.

Submissions (2):

Labcorp Genetics (formerly Invitae), Labcorp
Classification: Uncertain significance. Last evaluated: 2021-04-02. Review status: criteria provided, single submitter. Criteria: Invitae Variant Classification Sherloc (09022015). Collection method: clinical testing. Allele origin: germline.
Comment: In summary, the available evidence is currently insufficient to determine the role of this variant in disease. Therefore, it has been classified as a Variant of Uncertain Significance. Algorithms developed to predict the effect of missense changes on protein structure and function are either unavailable or do not agree on the potential impact of this missense change (SIFT: "Not Available"; PolyPhen-2: "Possibly Damaging"; Align-GVGD: "Not Available"). This variant has not been reported in the literature in individuals with POLE-related conditions. The frequency data for this variant in the population databases is not available, as this variant may be reported as separate entries in the ExAC database. This sequence change replaces glutamine with proline at codon 394 of the POLE protein (p.Gln394Pro). The glutamine residue is moderately conserved and there is a moderate physicochemical difference between glutamine and proline.

Ambry Genetics
Classification: Uncertain significance for Hereditary cancer-predisposing syndrome. Last evaluated: 2020-11-04. Review status: criteria provided, single submitter. Criteria: Ambry Variant Classification Scheme 2023. Collection method: clinical testing. Allele origin: germline.
Comment: The c.1181_1182inv variant (also known as p.Q394P), located in coding exon 12 of the POLE gene, results from an inversion of 2 nucleotides at positions c.1181 to c.1182. This results in the substitution of the glutamine residue for a proline residue at codon 394, an amino acid with similar properties. This amino acid position is highly conserved in available vertebrate species. In addition, the in silico prediction for this alteration is inconclusive. Since supporting evidence is limited at this time, the clinical significance of this alteration remains unclear.

NM_006231.4(POLE):c.1181_1182inv (p.Gln394Pro)

Gene: POLE (DNA polymerase epsilon, catalytic subunit; minus strand). Cytogenetic location: 12q24.33.
Variant type: Inversion.
Coding change: c.1181_1182inv on transcript NM_006231.4 (MANE Select).
Protein change: p.Gln394Pro; replaces glutamine 394 with proline.
Molecular consequence: missense variant.
Genome position: GRCh38 VCF-style: chr12-132675442-CT-AG. GRCh37 (hg19) VCF-style: chr12-133252028-CT-AG.
Other names: short protein forms Q394P.
Identifiers: ClinVar variation 1522332 (VCV001522332.8), ClinGen allele CA2573148345.